The following is an entry in ClinVar:

NM_001042492.3(NF1):c.4348G>A (p.Ala1450Thr)

Gene: NF1 (neurofibromin 1; plus strand). Cytogenetic location: 17q11.2.
Variant type: single nucleotide variant.
Coding change: c.4348G>A on transcript NM_001042492.3 (MANE Select); coding-DNA position 4348, G replaced by A.
Protein change: p.Ala1450Thr; replaces alanine 1450 with threonine.
Molecular consequence: missense variant.
Genome position (GRCh38, 1-based): chr17:31,259,047, G>A. VCF-style: chr17-31259047-G-A. GRCh37 (hg19) VCF-style: chr17-29586065-G-A.
Other names: c.4285G>A, p.Ala1429Thr (NM_000267.4); short protein forms A1429T, A1450T.
Identifiers: ClinVar variation 1345315 (VCV001345315.12), dbSNP rs2151462979, ClinGen allele CA398998728.

ClinVar aggregate classification (germline): Conflicting classifications of pathogenicity. Review status: criteria provided, conflicting classifications (1 of 4 stars). 4 submissions from 4 submitters: Likely pathogenic (3); Uncertain significance (1). Last evaluated 2026-01-26.

Conditions:
Juvenile myelomonocytic leukemia (JMML). Also called: LEUKEMIA, JUVENILE MYELOMONOCYTIC, SOMATIC. Identifiers: Orphanet 86834, MedGen C0349639, MONDO:0011908, OMIM 607785, HP:0012209.
Neurofibromatosis, type 1 (NF1). Also called: VON RECKLINGHAUSEN DISEASE; Peripheral type neurofibromatosis; Neurofibromatosis, type I; NEUROFIBROMATOSIS, TYPE I, SOMATIC. Identifiers: Orphanet 636, MedGen C0027831, MONDO:0018975, OMIM 162200. Disease mechanism: loss of function.

Submissions (4):

GeneDx
Classification: Likely pathogenic. Last evaluated: 2026-01-26. Review status: criteria provided, single submitter. Criteria: GeneDx Variant Classification Process June 2021. Collection method: clinical testing. Allele origin: germline. Affected: yes.
Comment: Identified in patients with phenotype consistent with NF1 referred for genetic testing at GeneDx and in published literature (PMID: 23656349); Not observed at significant frequency in large population cohorts (gnomAD); In silico analysis supports that this missense variant has a deleterious effect on protein structure/function; This variant is associated with the following publications: (PMID: 36243179, Douben2023[Functional study], 23656349, 22807134, 25486365, 40225167)

Labcorp Genetics (formerly Invitae), Labcorp
Classification: Likely pathogenic for Neurofibromatosis, type 1. Last evaluated: 2024-10-30. Review status: criteria provided, single submitter. Criteria: Invitae Variant Classification Sherloc (09022015). Collection method: clinical testing. Allele origin: germline.
Comment: This sequence change replaces alanine, which is neutral and non-polar, with threonine, which is neutral and polar, at codon 1429 of the NF1 protein (p.Ala1429Thr). This variant is not present in population databases (gnomAD no frequency). This missense change has been observed in individuals with NF1-related conditions (internal data). ClinVar contains an entry for this variant (Variation ID: 1345315). Invitae Evidence Modeling of protein sequence and biophysical properties (such as structural, functional, and spatial information, amino acid conservation, physicochemical variation, residue mobility, and thermodynamic stability) indicates that this missense variant is expected to disrupt NF1 protein function with a positive predictive value of 95%. In summary, the currently available evidence indicates that the variant is pathogenic, but additional data are needed to prove that conclusively. Therefore, this variant has been classified as Likely Pathogenic.

Baylor Genetics
Classification: Uncertain significance for Juvenile myelomonocytic leukemia. Last evaluated: 2024-01-09. Review status: criteria provided, single submitter. Criteria: ACMG Guidelines, 2015. Collection method: clinical testing. Allele origin: unknown.

Cambridge Genomics Laboratory, East Genomic Laboratory Hub, NHS Genomic Medicine Service
Classification: Likely pathogenic for Neurofibromatosis, type 1. Last evaluated: 2019-04-24. Review status: criteria provided, single submitter. Criteria: ACGS Best Practice Guidelines for Variant Classification in Rare Disease 2020. Collection method: clinical testing. Allele origin: germline. Affected: yes. Observed: 1 variant allele.